The following is an entry in ClinVar:

ClinVar aggregate classification (germline): Pathogenic (1 of 4 stars; one submission).

Conditions:
Hereditary spastic paraplegia 4. Also called: Spastic paraplegia 4, autosomal dominant; Spastic Paraplegia 4; Familial spastic paraplegia autosomal dominant 2. Identifiers: Orphanet 100985, MedGen C1866855, MONDO:0008438, OMIM 182601.

Submission:

GeneDx
Classification: Pathogenic. Last evaluated: 2025-04-10. Review status: criteria provided, single submitter. Criteria: GeneDx Variant Classification Process June 2021. Collection method: clinical testing. Allele origin: germline. Affected: yes.
Comment: Not observed at significant frequency in large population cohorts (gnomAD); In silico analysis supports that this missense variant has a deleterious effect on protein structure/function; Has not been previously published as pathogenic or benign to our knowledge; This variant is associated with the following publications: (PMID: 21139634, 26094131)

NM_014946.4(SPAST):c.1460A>G (p.Asn487Ser)

Gene: SPAST (spastin; plus strand). Cytogenetic location: 2p22.3.
Variant type: single nucleotide variant.
Coding change: c.1460A>G on transcript NM_014946.4 (MANE Select); coding-DNA position 1460, A replaced by G.
Protein change: p.Asn487Ser; replaces asparagine 487 with serine.
Molecular consequence: missense variant.
Genome position (GRCh38, 1-based): chr2:32,137,155, A>G. VCF-style: chr2-32137155-A-G. GRCh37 (hg19) VCF-style: chr2-32362224-A-G.
Other names: c.1457A>G, p.Asn486Ser (NM_001363823.2); c.1361A>G, p.Asn454Ser (NM_001363875.2); c.1364A>G, p.Asn455Ser (NM_001377959.1, NM_199436.2); short protein forms N454S, N455S, N486S, N487S.
Identifiers: ClinVar variation 1679535 (VCV001679535.4), dbSNP rs2148754345, ClinGen allele CA346502477.